The following is an entry in ClinVar:

ClinVar aggregate classification (germline): Uncertain significance (1 of 4 stars; one submission).

Conditions:
Tumor predisposition syndrome 3 (TPDS3). Also called: Glioma susceptibility 9; Melanoma, cutaneous malignant, susceptibility to, 10; LONG TELOMERE SYNDROME, POT1-RELATED; POT1 Tumor Predisposition. Identifiers: Orphanet 618, MedGen C4014476, MONDO:0014368, OMIM 615848.

Allele frequency attached by ClinVar (database versions not stated): 1000 Genomes Project 30x 0.00031.
gnomAD v4.1: 2 of 151,672 alleles (0.0013%); highest among the groups gnomAD compares: African/African-American, 0.0024%; no homozygotes.

Submission:

Labcorp Genetics (formerly Invitae), Labcorp
Classification: Uncertain significance for Tumor predisposition syndrome 3. Last evaluated: 2023-05-27. Review status: criteria provided, single submitter. Criteria: Invitae Variant Classification Sherloc (09022015). Collection method: clinical testing. Allele origin: germline.
Comment: In summary, the available evidence is currently insufficient to determine the role of this variant in disease. Therefore, it has been classified as a Variant of Uncertain Significance. Studies have shown that this variant is associated with altered splicing resulting in multiple RNA products (Invitae). This variant has not been reported in the literature in individuals affected with POT1-related conditions. This variant is present in population databases (no rsID available, gnomAD 0.01%). This sequence change falls in intron 9 of the POT1 gene. It does not directly change the encoded amino acid sequence of the POT1 protein.

NM_015450.3(POT1):c.703-1218C>T

Gene: POT1 (protection of telomeres 1; minus strand). Cytogenetic location: 7q31.33.
Variant type: single nucleotide variant.
Coding change: c.703-1218C>T on transcript NM_015450.3 (MANE Select); 1218 bases into the intron before coding-DNA position 703, C replaced by T.
Molecular consequence: intron variant.
Genome position (GRCh38, 1-based): chr7:124,854,356, G>A on the plus strand (C>T on the coding strand, the complement: POT1 is on the minus strand). VCF-style: chr7-124854356-G-A. GRCh37 (hg19) VCF-style: chr7-124494410-G-A.
Other names: c.310-1218C>T (NM_001042594.2).
Identifiers: ClinVar variation 2743526 (VCV002743526.3), dbSNP rs10156168, ClinGen allele CA577282923.
Genomic context (GRCh38, chr7:124,854,356, plus strand): 5'-ATTTTGTGCATGACACAAAATTTTTGTACACTGAATAATTGGAAAGCAAAGGGTTCACTC[G>A]CATACTGGCACTCAAAAAGATCTGCATTTAGGAGAATTCTGGACTTTTAGATTATGGAGG-3'